The following is an entry in ClinVar:

NM_003901.4(SGPL1):c.832A>G (p.Arg278Gly)

Gene: SGPL1 (sphingosine-1-phosphate lyase 1; plus strand). Cytogenetic location: 10q22.1.
Variant type: single nucleotide variant.
Coding change: c.832A>G on transcript NM_003901.4 (MANE Select); coding-DNA position 832, A replaced by G.
Protein change: p.Arg278Gly; replaces arginine 278 with glycine.
Molecular consequence: missense variant.
Genome position (GRCh38, 1-based): chr10:70,871,069, A>G. VCF-style: chr10-70871069-A-G. GRCh37 (hg19) VCF-style: chr10-72630826-A-G.
Other names: c.832A>G (NM_003901.3); short protein forms R278G.
Identifiers: ClinVar variation 3707692 (VCV003707692.3).

ClinVar aggregate classification (germline): Uncertain significance. Review status: criteria provided, multiple submitters, no conflicts (2 of 4 stars). 2 submissions from 2 submitters: Uncertain significance (2). Last evaluated 2025-03-31.

Conditions:
Inborn genetic diseases. Identifiers: MedGen C0950123, MeSH D030342.

gnomAD v4.1: 2 of 1,613,778 alleles (0.00012%); highest among the groups gnomAD compares: Non-Finnish European, 0.00017%; no homozygotes.

Submissions (2):

Ambry Genetics
Classification: Uncertain significance for Inborn genetic diseases. Last evaluated: 2025-03-31. Review status: criteria provided, single submitter. Criteria: Ambry Variant Classification Scheme 2023. Collection method: clinical testing. Allele origin: germline.

Labcorp Genetics (formerly Invitae), Labcorp
Classification: Uncertain significance. Last evaluated: 2024-07-23. Review status: criteria provided, single submitter. Criteria: Invitae Variant Classification Sherloc (09022015). Collection method: clinical testing. Allele origin: germline.
Comment: This sequence change replaces arginine, which is basic and polar, with glycine, which is neutral and non-polar, at codon 278 of the SGPL1 protein (p.Arg278Gly). This variant is not present in population databases (gnomAD no frequency). This variant has not been reported in the literature in individuals affected with SGPL1-related conditions. Advanced modeling of protein sequence and biophysical properties (such as structural, functional, and spatial information, amino acid conservation, physicochemical variation, residue mobility, and thermodynamic stability) performed at Invitae indicates that this missense variant is not expected to disrupt SGPL1 protein function with a negative predictive value of 80%. In summary, the available evidence is currently insufficient to determine the role of this variant in disease. Therefore, it has been classified as a Variant of Uncertain Significance.